The following is an entry in ClinVar:

NM_000061.3(BTK):c.895-1G>A

Gene: BTK (Bruton tyrosine kinase; minus strand). Cytogenetic location: Xq22.1.
Variant type: single nucleotide variant.
Coding change: c.895-1G>A on transcript NM_000061.3 (MANE Select); the canonical splice acceptor site of the intron before coding-DNA position 895, G replaced by A.
Molecular consequence: splice acceptor variant.
Genome position (GRCh38, 1-based): chrX:101,358,697, C>T on the plus strand (G>A on the coding strand, the complement: BTK is on the minus strand). VCF-style: chrX-101358697-C-T. GRCh37 (hg19) VCF-style: chrX-100613685-C-T.
Other names: c.997-1G>A (NM_001287344.2); c.895-1G>A (NM_001287345.2).
Identifiers: ClinVar variation 3340224 (VCV003340224.1).

ClinVar aggregate classification (germline): Pathogenic (1 of 4 stars; one submission).

Submission:

GeneDx
Classification: Pathogenic. Last evaluated: 2024-03-12. Review status: criteria provided, single submitter. Criteria: GeneDx Variant Classification Process June 2021. Collection method: clinical testing. Allele origin: germline. Affected: yes.
Comment: Canonical splice site variant predicted to result in a null allele in a gene for which loss of function is a known mechanism of disease; Not observed at significant frequency in large population cohorts (gnomAD); This variant is associated with the following publications: (PMID: 25525159, 9545398)